The following is an entry in ClinVar:

NM_018417.6(ADCY10):c.476A>G (p.Asp159Gly)

Genes: ADCY10 (adenylate cyclase 10; minus strand), DCAF6 (DDB1 and CUL4 associated factor 6; plus strand). Cytogenetic location: 1q24.2.
Variant type: single nucleotide variant.
Coding change: c.476A>G on transcript NM_018417.6 (MANE Select); coding-DNA position 476, A replaced by G.
Protein change: p.Asp159Gly; replaces aspartic acid 159 with glycine.
Molecular consequence: missense variant.
Genome position (GRCh38, 1-based): chr1:167,899,589, T>C on the plus strand (A>G on the coding strand, the complement: ADCY10 is on the minus strand). VCF-style: chr1-167899589-T-C. GRCh37 (hg19) VCF-style: chr1-167868827-T-C.
Other names: c.17A>G, p.Asp6Gly (NM_001167749.3); c.200A>G, p.Asp67Gly (NM_001297772.2); short protein forms D6G, D159G, D67G.
Identifiers: ClinVar variation 4752145 (VCV004752145.1).
Genomic context (GRCh38, chr1:167,899,589, plus strand): 5'-TGGGCAAGGCGCACATCGTCCACTGCCTGACCAATCACCAGAAAGTGGCTGTGTGTTTCA[T>C]CTCCAAAGACCAACATGCTGATGTGGCCAGCAGCCAGTCCTGGCAAGAAGGCAAGGAATA-3'
Protein context (NP_060887.2, residues 149-169): AGHISMLVFG[Asp159Gly]ETHSHFLVIG

ClinVar aggregate classification (germline): Uncertain significance (1 of 4 stars; one submission).

gnomAD v4.1: 2 of 1,614,012 alleles (0.00012%); highest among the groups gnomAD compares: African/African-American, 0.0027%; no homozygotes.

Submission:

Labcorp Genetics (formerly Invitae), Labcorp
Classification: Uncertain significance. Last evaluated: 2025-07-30. Review status: criteria provided, single submitter. Criteria: Invitae Variant Classification Sherloc (09022015). Collection method: clinical testing. Allele origin: germline.
Comment: This sequence change replaces aspartic acid, which is acidic and polar, with glycine, which is neutral and non-polar, at codon 159 of the ADCY10 protein (p.Asp159Gly). This variant is not present in population databases (gnomAD no frequency). This variant has not been reported in the literature in individuals affected with ADCY10-related conditions. An algorithm developed to predict the effect of missense changes on protein structure and function (PolyPhen-2) suggests that this variant is likely to be disruptive. In summary, the available evidence is currently insufficient to determine the role of this variant in disease. Therefore, it has been classified as a Variant of Uncertain Significance.